The following is an entry in ClinVar:

ClinVar aggregate classification (germline): Uncertain significance. Review status: criteria provided, multiple submitters, no conflicts (2 of 4 stars). 2 submissions from 2 submitters: Uncertain significance (2). Last evaluated 2025-09-22.

Conditions:
Thrombomodulin-related bleeding disorder (THPH12). Also called: Thrombophilia due to thrombomodulin defect. Identifiers: Orphanet 436169, MedGen C3280976, MONDO:0013775, OMIM 614486.

Allele frequency attached by ClinVar (database versions not stated): gnomAD exomes below 0.00001; ExAC 0.00001; gnomAD 0.00001; TOPMed 0.00001; 1000 Genomes Project 30x 0.00016; 1000 Genomes Project 0.00020.
gnomAD v4.1: 4 of 1,613,872 alleles (0.00025%); highest among the groups gnomAD compares: Admixed American, 0.0017%; no homozygotes.

Submissions (2):

Genomenon, Inc
Classification: Uncertain significance for Thrombomodulin-related bleeding disorder. Last evaluated: 2025-09-22. Review status: criteria provided, single submitter. Criteria: Genomenon Sequence Variant Interpretation Standards - Updated. Collection method: curation. Allele origin: germline. Affected: no.
Comment: THBD p.Glu400Lys (c.1198G>A) is a missense variant that changes the amino acid at residue 400 from Glutamic acid to Lysine. This variant has been reported in the published literature (PMID:12878585;12529320). It is absent or not present at a significant frequency in gnomAD. In silico models agree that this variant is not damaging. In conclusion, we classify THBD p.Glu400Lys (c.1198G>A) as a variant of unknown significance.

Labcorp Genetics (formerly Invitae), Labcorp
Classification: Uncertain significance. Last evaluated: 2023-02-28. Review status: criteria provided, single submitter. Criteria: Invitae Variant Classification Sherloc (09022015). Collection method: clinical testing. Allele origin: germline.
Comment: This sequence change replaces glutamic acid, which is acidic and polar, with lysine, which is basic and polar, at codon 400 of the THBD protein (p.Glu400Lys). This variant is not present in population databases (gnomAD no frequency). In summary, the available evidence is currently insufficient to determine the role of this variant in disease. Therefore, it has been classified as a Variant of Uncertain Significance. Advanced modeling of protein sequence and biophysical properties (such as structural, functional, and spatial information, amino acid conservation, physicochemical variation, residue mobility, and thermodynamic stability) performed at Invitae indicates that this missense variant is not expected to disrupt THBD protein function. This variant has not been reported in the literature in individuals affected with THBD-related conditions.

Literature cited by the submitters: PubMed 12878585 (cited by Genomenon, Inc); PubMed 12529320 (cited by Genomenon, Inc).

NM_000361.3(THBD):c.1198G>A (p.Glu400Lys)

Gene: THBD (thrombomodulin; minus strand). Cytogenetic location: 20p11.21.
Variant type: single nucleotide variant.
Coding change: c.1198G>A on transcript NM_000361.3 (MANE Select); coding-DNA position 1198, G replaced by A.
Protein change: p.Glu400Lys; replaces glutamic acid 400 with lysine.
Molecular consequence: missense variant.
Genome position (GRCh38, 1-based): chr20:23,048,307, C>T on the plus strand (G>A on the coding strand, the complement: THBD is on the minus strand). VCF-style: chr20-23048307-C-T. GRCh37 (hg19) VCF-style: chr20-23028944-C-T.
Other names: short protein forms E400K.
Identifiers: ClinVar variation 2979466 (VCV002979466.4), dbSNP rs200712265, ClinGen allele CA9787600.